The following is an entry in ClinVar:

ClinVar aggregate classification (germline): Pathogenic (1 of 4 stars; one submission).

Conditions:
Nephronophthisis. Also called: Juvenile Nephronophthisis. Identifiers: Orphanet 655, MedGen C0687120, MONDO:0019005, HP:0000090.
Meckel-Gruber syndrome. Also called: DYSENCEPHALIA SPLANCHNOCYSTICA; GRUBER SYNDROME; Dysencephalia splachnocystica. Identifiers: Orphanet 564, MedGen C0265215, MONDO:0018921.
Joubert syndrome. Also called: CEREBELLOPARENCHYMAL DISORDER IV; JOUBERT-BOLTSHAUSER SYNDROME; Familial aplasia of the vermis. Identifiers: Orphanet 475, MedGen C5979921, MONDO:0018772.

Submission:

Labcorp Genetics (formerly Invitae), Labcorp
Classification: Pathogenic for Joubert syndrome; Meckel-Gruber syndrome; Nephronophthisis. Last evaluated: 2021-02-16. Review status: criteria provided, single submitter. Criteria: Invitae Variant Classification Sherloc (09022015). Collection method: clinical testing. Allele origin: germline.
Comment: This sequence change creates a premature translational stop signal (p.Ile1668Asnfs*10) in the CEP290 gene. It is expected to result in an absent or disrupted protein product. Loss-of-function variants in CEP290 are known to be pathogenic (PMID: 16909394, 17345604, 20690115). This variant is not present in population databases (ExAC no frequency). This variant has not been reported in the literature in individuals with CEP290-related conditions. For these reasons, this variant has been classified as Pathogenic.

Literature cited by the submitters: PubMed 16909394; PubMed 17345604; PubMed 20690115.

NM_025114.4(CEP290):c.5002dup (p.Ile1668fs)

Gene: CEP290 (centrosomal protein 290; minus strand). Cytogenetic location: 12q21.32.
Variant type: Duplication.
Coding change: c.5002dup on transcript NM_025114.4 (MANE Select); coding-DNA position 5002, one base duplicated (A; older notation c.5002dupA).
Protein change: p.Ile1668fs; shifts the reading frame from isoleucine 1668.
Molecular consequence: frameshift variant.
Genome position (GRCh38, 1-based): chr12:88,083,041, T duplicated on the plus strand (A on the coding strand, the reverse complement: CEP290 is on the minus strand). VCF-style (leftmost placement, unchanged base first): chr12-88083040-A-AT. GRCh37 (hg19) VCF-style: chr12-88476817-A-AT.
Other names: short protein forms I1668fs.
Identifiers: ClinVar variation 1455793 (VCV001455793.6), dbSNP rs2137151163, ClinGen allele CA2573149010.